The following is an entry in ClinVar:

NM_000138.5(FBN1):c.6793T>A (p.Cys2265Ser)

Gene: FBN1 (fibrillin 1; minus strand). Cytogenetic location: 15q21.1.
Variant type: single nucleotide variant.
Coding change: c.6793T>A on transcript NM_000138.5 (MANE Select); coding-DNA position 6793, T replaced by A.
Protein change: p.Cys2265Ser; replaces cysteine 2265 with serine.
Molecular consequence: missense variant.
Genome position (GRCh38, 1-based): chr15:48,430,749, A>T on the plus strand (T>A on the coding strand, the complement: FBN1 is on the minus strand). VCF-style: chr15-48430749-A-T. GRCh37 (hg19) VCF-style: chr15-48722946-A-T.
Other names: short protein forms C2265S.
Identifiers: ClinVar variation 1069382 (VCV001069382.9), dbSNP rs1057522272, ClinGen allele CA392332507.

ClinVar aggregate classification (germline): Pathogenic (1 of 4 stars; one submission).

Conditions:
Familial thoracic aortic aneurysm and aortic dissection (TAAD). Also called: Thoracic aortic aneurysms and dissections. Identifiers: Orphanet 91387, MedGen C4707243, MONDO:0019625.
Marfan syndrome (MFS). Also called: Marfan syndrome type 1; Marfan's syndrome; Marfan syndrome, classic; MARFAN SYNDROME, TYPE I; FBN1-Related Marfan Syndrome. Identifiers: Orphanet 284963, Orphanet 558, MedGen C0024796, MONDO:0007947, OMIM 154700.

Submission:

Labcorp Genetics (formerly Invitae), Labcorp
Classification: Pathogenic for Marfan syndrome; Familial thoracic aortic aneurysm and aortic dissection. Last evaluated: 2020-02-06. Review status: criteria provided, single submitter. Criteria: Invitae Variant Classification Sherloc (09022015). Collection method: clinical testing. Allele origin: germline.
Comment: For these reasons, this variant has been classified as Pathogenic. This sequence change replaces cysteine with serine at codon 2265 of the FBN1 protein (p.Cys2265Ser). The cysteine residue is highly conserved and there is a moderate physicochemical difference between cysteine and serine. This variant is not present in population databases (ExAC no frequency). This variant has been observed in individual(s) with thoracic aortic aneurysm and/or dissection (PMID: 28973303). Algorithms developed to predict the effect of missense changes on protein structure and function are either unavailable or do not agree on the potential impact of this missense change (SIFT: "Deleterious"; PolyPhen-2: "Probably Damaging"; Align-GVGD: "Class C0"). This variant disrupts the p.Cys2265 amino acid residue in FBN1. Other variant(s) that disrupt this residue have been observed in individuals with FBN1-related conditions (PMID: 19293843, 26787436), which suggests that this may be a clinically significant amino acid residue. This variant affects a cysteine residue in the EGF-like, TGFBP or hybrid motif domains of FBN1. Cysteine residues are believed to be involved in intramolecular disulfide bridges and have been shown to be important for FBN1 protein structure (PMID: 16905551, 19349279). In addition, missense substitutions affecting cysteine residues within these domains are significantly overrepresented among patients with Marfan syndrome (PMID: 16571647, 17701892).

Literature cited by the submitters: PubMed 28973303; PubMed 19293843; PubMed 26787436; PubMed 16905551; PubMed 19349279; PubMed 16571647; PubMed 17701892.